The following is an entry in ClinVar:

NM_144573.4(NEXN):c.465T>C (p.Asn155=)

Gene: NEXN (nexilin F-actin binding protein; plus strand). Cytogenetic location: 1p31.1.
Variant type: single nucleotide variant.
Coding change: c.465T>C on transcript NM_144573.4 (MANE Select); coding-DNA position 465, T replaced by C.
Protein change: p.Asn155=; no amino-acid change (asparagine 155 retained).
Molecular consequence: synonymous variant.
Genome position (GRCh38, 1-based): chr1:77,925,205, T>C. VCF-style: chr1-77925205-T-C. GRCh37 (hg19) VCF-style: chr1-78390890-T-C.
Other names: c.273T>C, p.Asn91= (NM_001172309.2).
Identifiers: ClinVar variation 5025497 (VCV005025497.1).
Genomic context (GRCh38, chr1:77,925,205, plus strand): 5'-GAAATCTGATGTAATGTAATGATATGAAATTCTCATTCAATAGATTGAGGACATAAACAA[T>C]ACGGGAACTGAATCAGCATCAGAGGTAAACAGACATTTCCTTTAATGAAACATTCACCTA-3'
Protein context (NP_653174.3, residues 145-165): KRAEQIEDIN[Asn155=]TGTESASEEG

ClinVar aggregate classification (germline): Uncertain significance (1 of 4 stars; one submission).

Conditions:
Cardiovascular phenotype. Identifiers: MedGen CN230736.

gnomAD v4.1: 2 of 1,598,372 alleles (0.00013%); no homozygotes.

Submission:

Ambry Genetics
Classification: Uncertain significance for Cardiovascular phenotype. Last evaluated: 2026-08-10. Review status: criteria provided, single submitter. Criteria: Ambry Variant Classification Scheme 2023. Collection method: clinical testing. Allele origin: germline.
Comment: The c.465T>C variant (also known as p.N155N), located in coding exon 5 of the NEXN gene, results from a T to C substitution at nucleotide position 465. This nucleotide substitution does not change the amino acid at codon 155. This nucleotide position is highly conserved in available vertebrate species. In silico splice site analysis for this alteration is inconclusive. Based on the available evidence, the clinical significance of this variant remains unclear.